The following is an entry in ClinVar:

NM_138636.5(TLR8):c.91T>C (p.Ser31Pro)

Genes: TLR8 (toll like receptor 8; plus strand), TLR8-AS1 (TLR8 antisense RNA 1; minus strand). Cytogenetic location: Xp22.2.
Variant type: single nucleotide variant.
Coding change: c.91T>C on transcript NM_138636.5 (MANE Select); coding-DNA position 91, T replaced by C.
Protein change: p.Ser31Pro; replaces serine 31 with proline.
Molecular consequence: missense variant.
Genome position (GRCh38, 1-based): chrX:12,919,131, T>C. VCF-style: chrX-12919131-T-C. GRCh37 (hg19) VCF-style: chrX-12937250-T-C.
Other names: c.145T>C, p.Ser49Pro (NM_016610.4); short protein forms S31P, S49P.
Identifiers: ClinVar variation 3376338 (VCV003376338.2).

ClinVar aggregate classification (germline): Uncertain significance. Review status: criteria provided, multiple submitters, no conflicts (2 of 4 stars). 2 submissions from 2 submitters: Uncertain significance (2). Last evaluated 2025-02-11.

Conditions:
Immunodeficiency 98 with autoinflammation, X-linked (IMD98). Also called: INFLAMMATION, NEUTROPENIA, BONE MARROW FAILURE, AND LYMPHOPROLIFERATION CAUSED BY TLR8. Identifiers: Orphanet 675628, MedGen C5676883, MONDO:0024777, OMIM 301078.

Submissions (2):

Revvity Omics, Revvity
Classification: Uncertain significance for Immunodeficiency 98 with autoinflammation, X-linked. Last evaluated: 2025-02-11. Review status: criteria provided, single submitter. Criteria: ACMG Guidelines, 2015. Collection method: clinical testing. Allele origin: germline.

Pittsburgh Clinical Genomics Laboratory, University of Pittsburgh Medical Center
Classification: Uncertain significance for Immunodeficiency 98 with autoinflammation, X-linked. Last evaluated: 2023-04-07. Review status: criteria provided, single submitter. Criteria: ACMG Guidelines, 2015. Collection method: clinical testing. Allele origin: germline. Inheritance: X-linked recessive inheritance. Affected: yes.
Comment: This sequence variant is a single nucleotide substitution (T>C) at coding position 91 in the TLR8 gene which results in a serine to proline amino acid change at residue 31 in the TLR8 protein. This variant has not been reported in clinical genetics databases or observed in the medical literature in individuals with TLR8-related disease, to our knowledge. This variant is present in 2/182964 alleles (0.001%), including 1 hemizygote, in the gnomAD population database. Serine is not well conserved at this protein position in vertebrates, and multiple bioinformatic tools predict that this amino acid change is likely to be tolerated. Functiol studies assessing the effect of this variant on protein structure or activity have not been performed, to our knowledge. At this time, there is insufficient evidence to determine if this variant is pathogenic or benign. Therefore, we consider it to be a variant of uncertain significance. ACMG Criteria: BP1, BP4